The following is an entry in ClinVar:

ClinVar aggregate classification (germline): Likely pathogenic. Review status: criteria provided, single submitter (1 of 4 stars). 2 submissions from 2 submitters: Likely pathogenic (1). 1 of the submissions does not count toward it. Last evaluated 2025-12-04.

Conditions:
Holoprosencephaly 11 (HPE11). Identifiers: Orphanet 2162, MedGen C3280215, MONDO:0013642, OMIM 614226.

Allele frequency attached by ClinVar (database versions not stated): gnomAD exomes below 0.00001; ExAC 0.00001; TOPMed 0.00002.
gnomAD v4.1: 5 of 1,610,706 alleles (0.00031%); highest among the groups gnomAD compares: Admixed American, 0.0033%; no homozygotes.

Submissions (2):

GeneDx
Classification: Likely pathogenic. Last evaluated: 2025-12-04. Review status: criteria provided, single submitter. Criteria: GeneDx Variant Classification Process June 2021. Collection method: clinical testing. Allele origin: germline. Affected: yes.
Comment: Published functional studies demonstrate that the P689A mutant Cdon protein is defective in ligand-initiated pathway activity, retains very little residual activity, and has a decreased ability to associate with Ptch1, Boc, or Gas1 (PMID: 21802063); In silico analysis supports that this missense variant has a deleterious effect on protein structure/function; Not observed at significant frequency in large population cohorts (gnomAD); This variant is associated with the following publications: (PMID: 31589614, 26875496, 32729136, Farhud2024[casereport], 21802063)

OMIM
Classification: Pathogenic for HOLOPROSENCEPHALY 11. Last evaluated: 2011-08-12. Review status: no assertion criteria provided. Collection method: literature only. Allele origin: germline. Not counted in ClinVar's aggregate classification.

Literature cited by the submitters: PubMed 21802063 (cited by OMIM).

NM_001378964.1(CDON):c.2065C>G (p.Pro689Ala)

Gene: CDON (cell adhesion associated, oncogene regulated; minus strand). Cytogenetic location: 11q24.2.
Variant type: single nucleotide variant.
Coding change: c.2065C>G on transcript NM_001378964.1 (MANE Select); coding-DNA position 2065, C replaced by G.
Protein change: p.Pro689Ala; replaces proline 689 with alanine.
Molecular consequence: missense variant.
Genome position (GRCh38, 1-based): chr11:126,001,812, G>C on the plus strand (C>G on the coding strand, the complement: CDON is on the minus strand). VCF-style: chr11-126001812-G-C. GRCh37 (hg19) VCF-style: chr11-125871707-G-C.
Other names: c.2065C>G, p.Pro689Ala (NM_016952.6, NM_001243597.3); short protein forms P689A.
Identifiers: ClinVar variation 30747 (VCV000030747.9), dbSNP rs387906995, ClinGen allele CA129434.